The following is an entry in ClinVar:

NM_003072.5(SMARCA4):c.4847C>G (p.Pro1616Arg)

Gene: SMARCA4 (SWI/SNF related BAF chromatin remodeling complex subunit ATPase 4; plus strand). Cytogenetic location: 19p13.2.
Variant type: single nucleotide variant.
Coding change: c.4847C>G on transcript NM_003072.5 (MANE Select); coding-DNA position 4847, C replaced by G.
Protein change: p.Pro1616Arg; replaces proline 1616 with arginine.
Molecular consequence: missense variant. On other transcripts: non-coding transcript variant (1).
Genome position (GRCh38, 1-based): chr19:11,060,123, C>G. VCF-style: chr19-11060123-C-G. GRCh37 (hg19) VCF-style: chr19-11170799-C-G.
Other names: c.4847C>G, p.Pro1616Arg (NM_001128844.3); c.4757C>G, p.Pro1586Arg (NM_001128845.2); c.4754C>G, p.Pro1585Arg (NM_001128846.2); c.4748C>G, p.Pro1583Arg (NM_001128847.4, NM_001374457.1); c.4745C>G, p.Pro1582Arg (NM_001128848.2); c.4943C>G, p.Pro1648Arg (NM_001128849.3, NM_001387283.1); short protein forms P1648R, P1586R, P1616R, P1582R, P1583R, P1585R.
Identifiers: ClinVar variation 238495 (VCV000238495.12), dbSNP rs878854234, ClinGen allele CA10583765.

ClinVar aggregate classification (germline): Uncertain significance. Review status: criteria provided, multiple submitters, no conflicts (2 of 4 stars). 2 submissions from 2 submitters: Uncertain significance (2). Last evaluated 2024-06-26.

Conditions:
Hereditary cancer-predisposing syndrome. Also called: Neoplastic Syndromes, Hereditary; Hereditary neoplastic syndrome; Tumor predisposition; Hereditary Cancer Syndrome. Identifiers: Orphanet 140162, MedGen C0027672, MeSH D009386, MONDO:0015356.
Rhabdoid tumor predisposition syndrome 2 (RTPS2). Identifiers: Orphanet 231108, Orphanet 69077, MedGen C2750074, MONDO:0013224, OMIM 613325.

Submissions (2):

Ambry Genetics
Classification: Uncertain significance for Hereditary cancer-predisposing syndrome. Last evaluated: 2024-06-26. Review status: criteria provided, single submitter. Criteria: Ambry Variant Classification Scheme 2023. Collection method: clinical testing. Allele origin: germline.
Comment: The p.P1648R variant (also known as c.4943C>G), located in coding exon 34 of the SMARCA4 gene, results from a C to G substitution at nucleotide position 4943. The proline at codon 1648 is replaced by arginine, an amino acid with dissimilar properties. This amino acid position is not well conserved in available vertebrate species. In addition, the in silico prediction for this alteration is inconclusive. Missense and in-frame variants in SMARCA4 are known to cause neurodevelopmental disorders; however, such associations with rhabdoid tumor predisposition syndrome including small cell carcinoma of the ovary-hypercalcemic type (SCCOHT) are exceedingly rare (Kosho T et al. Am J Med Genet C Semin Med Genet. 2014 Sep;166C(3):262-75; Jelinic P et al. Nat Genet. 2014 May;46(5):424-6). Based on the supporting evidence, the association of this alteration with Coffin-Siris syndrome is unknown; however, the association of this alteration with rhabdoid tumor predisposition syndrome is unlikely.

Labcorp Genetics (formerly Invitae), Labcorp
Classification: Uncertain significance for Rhabdoid tumor predisposition syndrome 2. Last evaluated: 2023-03-24. Review status: criteria provided, single submitter. Criteria: Invitae Variant Classification Sherloc (09022015). Collection method: clinical testing. Allele origin: germline.
Comment: In summary, the available evidence is currently insufficient to determine the role of this variant in disease. Therefore, it has been classified as a Variant of Uncertain Significance. This sequence change replaces proline, which is neutral and non-polar, with arginine, which is basic and polar, at codon 1648 of the SMARCA4 protein (p.Pro1648Arg). This variant is not present in population databases (gnomAD no frequency). This variant has not been reported in the literature in individuals affected with SMARCA4-related conditions. ClinVar contains an entry for this variant (Variation ID: 238495). Advanced modeling of protein sequence and biophysical properties (such as structural, functional, and spatial information, amino acid conservation, physicochemical variation, residue mobility, and thermodynamic stability) performed at Invitae indicates that this missense variant is not expected to disrupt SMARCA4 protein function.